The following is an entry in ClinVar:

NM_000143.4(FH):c.497G>T (p.Gly166Val)

Gene: FH (fumarate hydratase; minus strand). Cytogenetic location: 1q43.
Variant type: single nucleotide variant.
Coding change: c.497G>T on transcript NM_000143.4 (MANE Select); coding-DNA position 497, G replaced by T.
Protein change: p.Gly166Val; replaces glycine 166 with valine.
Molecular consequence: missense variant.
Genome position (GRCh38, 1-based): chr1:241,512,025, C>A on the plus strand (G>T on the coding strand, the complement: FH is on the minus strand). VCF-style: chr1-241512025-C-A. GRCh37 (hg19) VCF-style: chr1-241675325-C-A.
Other names: short protein forms G166V.
Identifiers: ClinVar variation 5021746 (VCV005021746.1).

ClinVar aggregate classification (germline): Uncertain significance (1 of 4 stars; one submission).

Conditions:
Hereditary cancer-predisposing syndrome. Also called: Neoplastic Syndromes, Hereditary; Tumor predisposition; Hereditary neoplastic syndrome; Hereditary Cancer Syndrome. Identifiers: Orphanet 140162, MedGen C0027672, MeSH D009386, MONDO:0015356.

Submission:

Ambry Genetics
Classification: Uncertain significance for Hereditary cancer-predisposing syndrome. Last evaluated: 2026-07-07. Review status: criteria provided, single submitter. Criteria: Ambry Variant Classification Scheme 2023. Collection method: clinical testing. Allele origin: germline.
Comment: The p.G166V variant (also known as c.497G>T), located in coding exon 4 of the FH gene, results from a G to T substitution at nucleotide position 497. The glycine at codon 166 is replaced by valine, an amino acid with dissimilar properties. This amino acid position is conserved. In addition, this alteration is predicted to be deleterious by in silico analysis. Based on the available evidence, the clinical significance of this variant remains unclear.